The following is an entry in ClinVar:

NM_001127511.3(APC):c.-129G>T

Gene: APC (APC regulator of Wnt signaling pathway; plus strand). Cytogenetic location: 5q22.2.
Variant type: single nucleotide variant.
Coding change: c.-129G>T on transcript NM_001127511.3; 129 bases upstream of the start codon, G replaced by T.
Molecular consequence: 5 prime UTR variant. On other transcripts: non-coding transcript variant (2).
Genome position (GRCh38, 1-based): chr5:112,707,589, G>T. VCF-style: chr5-112707589-G-T. GRCh37 (hg19) VCF-style: chr5-112043286-G-T.
Other names: c.-312G>T (NM_001354895.2, NM_001407447.1, NM_001407452.1 and 3 more transcripts); c.-129G>T (NM_001354897.2, NM_001354902.2, NM_001407446.1); c.-79G>T (NM_001407448.1, NM_001407450.1, NM_001407457.1 and 1 more transcripts); c.-103G>T (NM_001407453.1); c.-1347G>T (NM_001407470.1, NM_001407472.1).
Identifiers: ClinVar variation 2112767 (VCV002112767.4), dbSNP rs1750583768, ClinGen allele CA2580072296.

ClinVar aggregate classification (germline): Uncertain significance (1 of 4 stars; one submission).

Conditions:
Familial adenomatous polyposis 1 (FAP1). Also called: FAMILIAL ADENOMATOUS POLYPOSIS 1, ATTENUATED; POLYPOSIS, ADENOMATOUS INTESTINAL. Identifiers: MedGen C2713442, MONDO:0021056, OMIM 175100. Disease mechanism: loss of function.

Allele frequency attached by ClinVar (database versions not stated): 1000 Genomes Project 30x 0.00016.

Submission:

Labcorp Genetics (formerly Invitae), Labcorp
Classification: Uncertain significance for Familial adenomatous polyposis 1. Last evaluated: 2023-12-18. Review status: criteria provided, single submitter. Criteria: Invitae Variant Classification Sherloc (09022015). Collection method: clinical testing. Allele origin: germline.
Comment: This variant occurs in a non-coding region of the APC gene. It does not change the encoded amino acid sequence of the APC protein. This variant is not present in population databases (gnomAD no frequency). This variant has not been reported in the literature in individuals affected with APC-related conditions. Experimental studies and prediction algorithms are not available or were not evaluated, and the functional significance of this variant is currently unknown. In summary, the available evidence is currently insufficient to determine the role of this variant in disease. Therefore, it has been classified as a Variant of Uncertain Significance.